The following is an entry in ClinVar:

NM_001429.4(EP300):c.5332G>A (p.Gly1778Arg)

Gene: EP300 (EP300 lysine acetyltransferase; plus strand). Cytogenetic location: 22q13.2.
Variant type: single nucleotide variant.
Coding change: c.5332G>A on transcript NM_001429.4 (MANE Select); coding-DNA position 5332, G replaced by A.
Protein change: p.Gly1778Arg; replaces glycine 1778 with arginine.
Molecular consequence: missense variant.
Genome position (GRCh38, 1-based): chr22:41,177,043, G>A. VCF-style: chr22-41177043-G-A. GRCh37 (hg19) VCF-style: chr22-41573047-G-A.
Other names: c.5332G>A (NM_001429.3); c.5254G>A, p.Gly1752Arg (NM_001362843.2); short protein forms G1778R, G1752R.
Identifiers: ClinVar variation 2712301 (VCV002712301.4), dbSNP rs2059204658, ClinGen allele CA411708726.
Genomic context (GRCh38, chr22:41,177,043, plus strand): 5'-TGCCAGAAGATGAAGCGGGTTGTGCAGCATACCAAGGGTTGCAAACGGAAAACCAATGGC[G>A]GGTGCCCCATCTGCAAGCAGCTCATTGCCCTCTGCTGCTACCATGCCAAGCACTGCCAGG-3'
Protein context (NP_001420.2, residues 1768-1788): TKGCKRKTNG[Gly1778Arg]CPICKQLIAL

ClinVar aggregate classification (germline): Uncertain significance. Review status: criteria provided, multiple submitters, no conflicts (2 of 4 stars). 2 submissions from 2 submitters: Uncertain significance (2). Last evaluated 2024-10-23.

Conditions:
Rubinstein-Taybi syndrome due to EP300 haploinsufficiency. Also called: EP300-Related Rubinstein-Taybi Syndrome; RUBINSTEIN-TAYBI SYNDROME 2. Identifiers: Orphanet 353284, Orphanet 783, MedGen C3150941, MONDO:0013364, OMIM 613684.

Allele frequency attached by ClinVar (database versions not stated): TOPMed below 0.00001.
gnomAD v4.1: 3 of 1,614,120 alleles (0.00019%); highest among the groups gnomAD compares: Non-Finnish European, 0.00017%; no homozygotes.

Submissions (2):

GeneDx
Classification: Uncertain significance. Last evaluated: 2024-10-23. Review status: criteria provided, single submitter. Criteria: GeneDx Variant Classification Process June 2021. Collection method: clinical testing. Allele origin: germline. Affected: yes.
Comment: Not observed at significant frequency in large population cohorts (gnomAD); In silico analysis supports that this missense variant has a deleterious effect on protein structure/function; Has not been previously published as pathogenic or benign to our knowledge

Labcorp Genetics (formerly Invitae), Labcorp
Classification: Uncertain significance for Rubinstein-Taybi syndrome due to EP300 haploinsufficiency. Last evaluated: 2023-11-21. Review status: criteria provided, single submitter. Criteria: Invitae Variant Classification Sherloc (09022015). Collection method: clinical testing. Allele origin: germline.
Comment: This sequence change replaces glycine, which is neutral and non-polar, with arginine, which is basic and polar, at codon 1778 of the EP300 protein (p.Gly1778Arg). This variant is not present in population databases (gnomAD no frequency). This variant has not been reported in the literature in individuals affected with EP300-related conditions. Advanced modeling of protein sequence and biophysical properties (such as structural, functional, and spatial information, amino acid conservation, physicochemical variation, residue mobility, and thermodynamic stability) performed at Invitae indicates that this missense variant is expected to disrupt EP300 protein function with a positive predictive value of 80%. In summary, the available evidence is currently insufficient to determine the role of this variant in disease. Therefore, it has been classified as a Variant of Uncertain Significance.